The following is an entry in ClinVar:

ClinVar aggregate classification (germline): Uncertain significance (1 of 4 stars; one submission).

Submission:

Labcorp Genetics (formerly Invitae), Labcorp
Classification: Uncertain significance. Last evaluated: 2023-08-02. Review status: criteria provided, single submitter. Criteria: Invitae Variant Classification Sherloc (09022015). Collection method: clinical testing. Allele origin: germline.
Comment: This sequence change affects codon 325 of the COL11A2 mRNA. It is a 'silent' change, meaning that it does not change the encoded amino acid sequence of the COL11A2 protein. This variant is not present in population databases (gnomAD no frequency). This variant has not been reported in the literature in individuals affected with COL11A2-related conditions. Algorithms developed to predict the effect of sequence changes on RNA splicing suggest that this variant may disrupt the consensus splice site. In summary, the available evidence is currently insufficient to determine the role of this variant in disease. Therefore, it has been classified as a Variant of Uncertain Significance.

NM_080680.3(COL11A2):c.975C>T (p.Asp325=)

Gene: COL11A2 (collagen type XI alpha 2 chain; minus strand). Cytogenetic location: 6p21.32.
Variant type: single nucleotide variant.
Coding change: c.975C>T on transcript NM_080680.3 (MANE Select); coding-DNA position 975, C replaced by T.
Protein change: p.Asp325=; no amino-acid change (aspartic acid 325 retained).
Molecular consequence: synonymous variant. On other transcripts: intron variant (5).
Genome position (GRCh38, 1-based): chr6:33,184,289, G>A on the plus strand (C>T on the coding strand, the complement: COL11A2 is on the minus strand). VCF-style: chr6-33184289-G-A. GRCh37 (hg19) VCF-style: chr6-33152066-G-A.
Other names: c.129C>T, p.Asp43= (NM_001424109.1); c.93+703C>T (NM_001424111.1, NM_001424110.1); c.798+2338C>T (NM_080679.3); c.861+703C>T (NM_080681.3); c.939+703C>T (NM_001424108.1).
Identifiers: ClinVar variation 3012672 (VCV003012672.3), dbSNP rs2535429033, ClinGen allele CA2678228074.